The following is an entry in ClinVar:

ClinVar aggregate classification (germline): Uncertain significance. Review status: criteria provided, multiple submitters, no conflicts (2 of 4 stars). 2 submissions from 2 submitters: Uncertain significance (2). Last evaluated 2024-07-27.

Conditions:
Inborn genetic diseases. Identifiers: MedGen C0950123, MeSH D030342.
Inflammatory bowel disease 25. Also called: Inflammatory bowel disease 25, early onset, autosomal recessive. Identifiers: Orphanet 238569, MedGen C2675508, MONDO:0012941, OMIM 612567.

Allele frequency attached by ClinVar (database versions not stated): gnomAD 0.00001; ExAC 0.00002.
gnomAD v4.1: 3 of 1,612,774 alleles (0.00019%); highest among the groups gnomAD compares: South Asian, 0.0011%; no homozygotes.

Submissions (2):

Ambry Genetics
Classification: Uncertain significance for Inborn genetic diseases. Last evaluated: 2024-07-27. Review status: criteria provided, single submitter. Criteria: Ambry Variant Classification Scheme 2023. Collection method: clinical testing. Allele origin: germline.

Labcorp Genetics (formerly Invitae), Labcorp
Classification: Uncertain significance for Inflammatory bowel disease 25. Last evaluated: 2022-06-11. Review status: criteria provided, single submitter. Criteria: Invitae Variant Classification Sherloc (09022015). Collection method: clinical testing. Allele origin: germline.
Comment: In summary, the available evidence is currently insufficient to determine the role of this variant in disease. Therefore, it has been classified as a Variant of Uncertain Significance. Algorithms developed to predict the effect of missense changes on protein structure and function (SIFT, PolyPhen-2, Align-GVGD) all suggest that this variant is likely to be tolerated. This variant has not been reported in the literature in individuals affected with IL10RB-related conditions. This variant is present in population databases (rs752902509, gnomAD 0.0009%). This sequence change replaces proline, which is neutral and non-polar, with serine, which is neutral and polar, at codon 171 of the IL10RB protein (p.Pro171Ser).

NM_000628.5(IL10RB):c.511C>T (p.Pro171Ser)

Genes: IFNAR2-IL10RB (IFNAR2-IL10RB readthrough; plus strand), IL10RB (interleukin 10 receptor subunit beta; plus strand). Cytogenetic location: 21q22.11.
Variant type: single nucleotide variant.
Coding change: c.511C>T on transcript NM_000628.5 (MANE Select); coding-DNA position 511, C replaced by T.
Protein change: p.Pro171Ser; replaces proline 171 with serine.
Molecular consequence: missense variant. On other transcripts: non-coding transcript variant (1).
Genome position (GRCh38, 1-based): chr21:33,283,106, C>T. VCF-style: chr21-33283106-C-T. GRCh37 (hg19) VCF-style: chr21-34655411-C-T.
Other names: c.1171C>T, p.Pro391Ser (NM_001414505.1); c.511C>T, p.Pro171Ser (NM_001405849.1, NM_001405850.1, NM_001406840.1); short protein forms P391S, P171S.
Identifiers: ClinVar variation 1969707 (VCV001969707.6), dbSNP rs752902509, ClinGen allele CA10006159.
Genomic context (GRCh38, chr21:33,283,106, plus strand): 5'-TGCCCTTCCACTGCTTAGTCATGTTCTTATTTTTGTCTCCATTACTAGTTTCAAATTACT[C>T]CCCAGTATGACTTTGAGGTCCTCAGAAACCTGGAGCCATGGACAACTTATTGTGTTCAAG-3'
Protein context (NP_000619.3, residues 161-181): NGTDEKFQIT[Pro171Ser]QYDFEVLRNL